The following is an entry in ClinVar:

ClinVar aggregate classification (germline): Uncertain significance (1 of 4 stars; one submission).

gnomAD v4.1: 1 of 1,614,006 alleles (0.000062%); highest among the groups gnomAD compares: South Asian, 0.0011%; no homozygotes.

Submission:

Labcorp Genetics (formerly Invitae), Labcorp
Classification: Uncertain significance. Last evaluated: 2022-08-23. Review status: criteria provided, single submitter. Criteria: Invitae Variant Classification Sherloc (09022015). Collection method: clinical testing. Allele origin: germline.
Comment: This variant is present in population databases (rs769342088, gnomAD 0.003%). In summary, the available evidence is currently insufficient to determine the role of this variant in disease. Therefore, it has been classified as a Variant of Uncertain Significance. Algorithms developed to predict the effect of missense changes on protein structure and function (SIFT, PolyPhen-2, Align-GVGD) all suggest that this variant is likely to be disruptive. ClinVar contains an entry for this variant (Variation ID: 1009834). This variant has not been reported in the literature in individuals affected with USH2A-related conditions. This sequence change replaces glycine, which is neutral and non-polar, with valine, which is neutral and non-polar, at codon 4265 of the USH2A protein (p.Gly4265Val).

NM_206933.4(USH2A):c.12794G>T (p.Gly4265Val)

Gene: USH2A (usherin; minus strand). Cytogenetic location: 1q41.
Variant type: single nucleotide variant.
Coding change: c.12794G>T on transcript NM_206933.4 (MANE Select); coding-DNA position 12794, G replaced by T.
Protein change: p.Gly4265Val; replaces glycine 4265 with valine.
Molecular consequence: missense variant.
Genome position (GRCh38, 1-based): chr1:215,675,117, C>A on the plus strand (G>T on the coding strand, the complement: USH2A is on the minus strand). VCF-style: chr1-215675117-C-A. GRCh37 (hg19) VCF-style: chr1-215848459-C-A.
Other names: short protein forms G4265V.
Identifiers: ClinVar variation 1009834 (VCV001009834.8), dbSNP rs769342088, ClinGen allele CA1393408.